The following is an entry in ClinVar:

ClinVar aggregate classification (germline): Benign. Review status: criteria provided, multiple submitters, no conflicts (2 of 4 stars). 3 submissions from 3 submitters: Benign (2). 1 of the submissions does not count toward it. Last evaluated 2026-02-02.

Conditions:
NEK2-related disorder. Also called: NEK2-related condition.

Allele frequency attached by ClinVar (database versions not stated): 1000 Genomes Project 30x 0.00359; 1000 Genomes Project 0.00399; gnomAD 0.00655 and 0.00671; gnomAD exomes 0.00688 and 0.00904; TOPMed 0.00713; ExAC 0.00723; ESP Exome Variant Server 0.00861.
gnomAD v4.1: 14,054 of 1,607,742 alleles (0.87%); highest among the groups gnomAD compares: Non-Finnish European, 1.1%; 95 homozygotes.

Submissions (3):

Labcorp Genetics (formerly Invitae), Labcorp
Classification: Benign. Last evaluated: 2026-02-02. Review status: criteria provided, single submitter. Criteria: Invitae Variant Classification Sherloc (09022015). Collection method: clinical testing. Allele origin: germline.

Breakthrough Genomics
Classification: Benign. Review status: criteria provided, single submitter. Criteria: ACMG Guidelines, 2015. Collection method: not provided. Allele origin: germline. Inheritance: Autosomal recessive inheritance. Affected: yes.

PreventionGenetics, part of Exact Sciences
Classification: Benign for NEK2-related condition. Last evaluated: 2019-08-07. Review status: no assertion criteria provided. Collection method: clinical testing. Allele origin: germline. Not counted in ClinVar's aggregate classification.
Comment: This variant is classified as benign based on ACMG/AMP sequence variant interpretation guidelines (Richards et al. 2015 PMID: 25741868, with internal and published modifications).

NM_002497.4(NEK2):c.306C>G (p.Thr102=)

Gene: NEK2 (NIMA related kinase 2; minus strand). Cytogenetic location: 1q32.3.
Variant type: single nucleotide variant.
Coding change: c.306C>G on transcript NM_002497.4 (MANE Select); coding-DNA position 306, C replaced by G.
Protein change: p.Thr102=; no amino-acid change (threonine 102 retained).
Molecular consequence: synonymous variant.
Genome position (GRCh38, 1-based): chr1:211,674,304, G>C on the plus strand (C>G on the coding strand, the complement: NEK2 is on the minus strand). VCF-style: chr1-211674304-G-C. GRCh37 (hg19) VCF-style: chr1-211847646-G-C.
Other names: c.306C>G, p.Thr102= (NM_001204182.2, NM_001204183.2).
Identifiers: ClinVar variation 774402 (VCV000774402.14), dbSNP rs45623136, ClinGen allele CA1381720.
Genomic context (GRCh38, chr1:211,674,304, plus strand): 5'-ATAAATGAAACTAGACCAATTTCAGCTTACATTTTTAAAAGATTATGCTTACCTTTCCTT[G>C]GTTCCCTTTGTAATTACACTAGCCAGATCCCCTCCTTCACAATATTCCATTACAATGTAC-3'
Protein context (NP_002488.1, residues 92-112): GDLASVITKG[Thr102=]KERQYLDEEF